The following is an entry in ClinVar:

NM_005751.5(AKAP9):c.1029_1033del (p.Lys343fs)

Gene: AKAP9 (A-kinase anchoring protein 9; plus strand). Cytogenetic location: 7q21.2.
Variant type: Microsatellite.
Coding change: c.1029_1033del on transcript NM_005751.5 (MANE Select); coding-DNA positions 1029 to 1033, 5 bases deleted (GAAAA; older notation c.1029_1033delGAAAA).
Protein change: p.Lys343fs; shifts the reading frame from lysine 343.
Molecular consequence: frameshift variant.
Genome position (GRCh38, 1-based): chr7:92,000,946-92,000,950, GAAAA deleted; deleting any 5 consecutive bases within chr7:92,000,939-92,000,950 gives the same sequence; the c. name uses the placement nearest the transcript's 3' end. VCF-style (leftmost placement, unchanged base first): chr7-92000938-GAAGAA-G. GRCh37 (hg19) VCF-style: chr7-91630252-GAAGAA-G.
Other names: c.1024_1028GAAAA[1], p.Lys343Asnfs (NM_005751.4); c.1029_1033del, p.Lys343fs (NM_147185.3); c.1029_1033delGAAAA (NM_005751.4); short protein forms K343fs.
Identifiers: ClinVar variation 3224998 (VCV003224998.1), dbSNP rs2484688649, ClinGen allele CA2825001573.
Genomic context (GRCh38, chr7:92,000,938, plus strand): 5'-AAAGAAGAAATACAGGAAAAGGAGACAATCATTGAAGAATTAAACACAAAAATAATAGAA[GAAGAA>G]AAGAAAACTCTTGAGCTAAAGGATAAATTAACAACTGCTGATAAATTACTAGGAGAATTA-3'

ClinVar aggregate classification (germline): Uncertain significance (1 of 4 stars; one submission).

Conditions:
Cardiovascular phenotype. Identifiers: MedGen CN230736.

Submission:

Ambry Genetics
Classification: Uncertain significance for Cardiovascular phenotype. Last evaluated: 2023-11-03. Review status: criteria provided, single submitter. Criteria: Ambry Variant Classification Scheme 2023. Collection method: clinical testing. Allele origin: germline.
Comment: The c.1029_1033delGAAAA variant, located in coding exon 8 of the AKAP9 gene, results from a deletion of 5 nucleotides at nucleotide positions 1029 to 1033, causing a translational frameshift with a predicted alternate stop codon (p.K343Nfs*3). This alteration is expected to result in loss of function by premature protein truncation or nonsense-mediated mRNA decay. However, the evidence for this gene-disease relationship is limited; therefore, the clinical significance of this alteration is unclear.